The following is an entry in ClinVar:

ClinVar aggregate classification (germline): Uncertain significance. Review status: criteria provided, multiple submitters, no conflicts (2 of 4 stars). 4 submissions from 4 submitters: Uncertain significance (4). Last evaluated 2026-08-06.

Conditions:
Pseudo-Hurler polydystrophy. Also called: ML III; ML III ALPHA/BETA; Type III Mucolipidosis; MUCOLIPIDOSIS IIIA; ML IIIA; Mucolipidosis III Alpha/Beta. Identifiers: Orphanet 423461, Orphanet 577, MedGen C0033788, MONDO:0018931, OMIM 252600.
Mucolipidosis type II. Also called: ML II ALPHA/BETA; Mucolipidosis II Alpha/Beta; Mucolipidosis 2; ML 2; Inclusion cell disease; Leroy Disease. Identifiers: Orphanet 576, MedGen C2673377, MONDO:0009650, OMIM 252500.

Allele frequency attached by ClinVar (database versions not stated): ESP Exome Variant Server 0.00023.
gnomAD v4.1: 128 of 1,613,596 alleles (0.0079%); highest among the groups gnomAD compares: Non-Finnish European, 0.0092%; no homozygotes.

Submissions (4):

OLLIN Analises Genomicas, OLLIN
Classification: Uncertain significance for Pseudo-Hurler polydystrophy. Last evaluated: 2026-08-06. Review status: criteria provided, single submitter. Criteria: ACMG Guidelines 2015 PMID 25741868. Collection method: clinical testing. Allele origin: germline. Inheritance: Autosomal recessive inheritance.
Comment: This missense variant, located in exon 19 (of 21), has been reported in ClinVar (accession VCV002071129.2) and in gnomAD with an allele frequency of 0.0079%. However, to our knowledge, it has not been reported in the scientific literature. In silico analysis predicts that this variant has a deleterious effect. According to the currently available evidence, this variant has been classified as uncertain significance (PM2_P, PP3_M).

Labcorp Genetics (formerly Invitae), Labcorp
Classification: Uncertain significance for Pseudo-Hurler polydystrophy; Mucolipidosis type II. Last evaluated: 2022-10-17. Review status: criteria provided, single submitter. Criteria: Invitae Variant Classification Sherloc (09022015). Collection method: clinical testing. Allele origin: germline.
Comment: This sequence change replaces tyrosine, which is neutral and polar, with cysteine, which is neutral and slightly polar, at codon 1172 of the GNPTAB protein (p.Tyr1172Cys). This variant is present in population databases (rs149859473, gnomAD 0.02%). This variant has not been reported in the literature in individuals affected with GNPTAB-related conditions. Advanced modeling of protein sequence and biophysical properties (such as structural, functional, and spatial information, amino acid conservation, physicochemical variation, residue mobility, and thermodynamic stability) performed at Invitae indicates that this missense variant is expected to disrupt GNPTAB protein function. In summary, the available evidence is currently insufficient to determine the role of this variant in disease. Therefore, it has been classified as a Variant of Uncertain Significance.

Department of Pathology and Laboratory Medicine, Sinai Health System
Classification: Uncertain significance for Mucolipidosis type II; Pseudo-Hurler polydystrophy. Last evaluated: 2020-06-30. Review status: criteria provided, single submitter. Criteria: ACMG Guidelines, 2015. Collection method: research. Allele origin: germline.

Juno Genomics, Hangzhou Juno Genomics, Inc
Classification: Uncertain significance for Mucolipidosis type II; Pseudo-Hurler polydystrophy. Review status: criteria provided, single submitter. Criteria: ACMG Guidelines, 2015. Collection method: clinical testing. Allele origin: germline.
Comment: Absent from controls (or at extremely low frequency if recessive) in Genome Aggregation Database.;Multiple lines of computational evidence support a deleterious effect on the gene or gene product.

NM_024312.5(GNPTAB):c.3515A>G (p.Tyr1172Cys)

Gene: GNPTAB (N-acetylglucosamine-1-phosphate transferase subunits alpha and beta; minus strand). Cytogenetic location: 12q23.2.
Variant type: single nucleotide variant.
Coding change: c.3515A>G on transcript NM_024312.5 (MANE Select); coding-DNA position 3515, A replaced by G.
Protein change: p.Tyr1172Cys; replaces tyrosine 1172 with cysteine.
Molecular consequence: missense variant.
Genome position (GRCh38, 1-based): chr12:101,753,459, T>C on the plus strand (A>G on the coding strand, the complement: GNPTAB is on the minus strand). VCF-style: chr12-101753459-T-C. GRCh37 (hg19) VCF-style: chr12-102147237-T-C.
Other names: short protein forms Y1172C.
Identifiers: ClinVar variation 2071129 (VCV002071129.4), dbSNP rs149859473, ClinGen allele CA6746131.